The following is an entry in ClinVar:

ClinVar aggregate classification (germline): Uncertain significance (1 of 4 stars; one submission).

Allele frequency attached by ClinVar (database versions not stated): gnomAD exomes below 0.00001.
gnomAD v4.1: 1 of 1,614,122 alleles (0.000062%); highest among the groups gnomAD compares: Admixed American, 0.0017%; no homozygotes.

Submission:

Labcorp Genetics (formerly Invitae), Labcorp
Classification: Uncertain significance. Last evaluated: 2022-02-24. Review status: criteria provided, single submitter. Criteria: Invitae Variant Classification Sherloc (09022015). Collection method: clinical testing. Allele origin: germline.
Comment: Advanced modeling of protein sequence and biophysical properties (such as structural, functional, and spatial information, amino acid conservation, physicochemical variation, residue mobility, and thermodynamic stability) performed at Invitae indicates that this missense variant is not expected to disrupt CPLANE1 protein function. This variant has not been reported in the literature in individuals affected with CPLANE1-related conditions. This variant is present in population databases (no rsID available, gnomAD 0.003%). This sequence change replaces histidine, which is basic and polar, with asparagine, which is neutral and polar, at codon 2355 of the CPLANE1 protein (p.His2355Asn). In summary, the available evidence is currently insufficient to determine the role of this variant in disease. Therefore, it has been classified as a Variant of Uncertain Significance.

NM_001384732.1(CPLANE1):c.7063C>A (p.His2355Asn)

Gene: CPLANE1 (ciliogenesis and planar polarity effector complex subunit 1; minus strand). Cytogenetic location: 5p13.2.
Variant type: single nucleotide variant.
Coding change: c.7063C>A on transcript NM_001384732.1 (MANE Select); coding-DNA position 7063, C replaced by A.
Protein change: p.His2355Asn; replaces histidine 2355 with asparagine.
Molecular consequence: missense variant.
Genome position (GRCh38, 1-based): chr5:37,168,961, G>T on the plus strand (C>A on the coding strand, the complement: CPLANE1 is on the minus strand). VCF-style: chr5-37168961-G-T. GRCh37 (hg19) VCF-style: chr5-37169063-G-T.
Other names: c.7063C>A, p.His2355Asn (NM_023073.4); short protein forms H2355N.
Identifiers: ClinVar variation 1405012 (VCV001405012.8), dbSNP rs1236201954, ClinGen allele CA359478367.